The following is an entry in ClinVar:

ClinVar aggregate classification (germline): Likely benign (1 of 4 stars; one submission).

Allele frequency attached by ClinVar (database versions not stated): TOPMed 0.00026; 1000 Genomes Project 0.00040; ExAC 0.00075; 1000 Genomes Project 30x 0.00031; gnomAD 0.00034; gnomAD exomes 0.00057.
gnomAD v4.1: 241 of 471,532 alleles (0.051%); highest among the groups gnomAD compares: Middle Eastern, 0.23%; 2 homozygotes.

Submission:

CeGaT Center for Human Genetics Tuebingen
Classification: Likely benign. Last evaluated: 2023-04-01. Review status: criteria provided, single submitter. Criteria: CeGaT Center For Human Genetics Tuebingen Variant Classification Criteria Version 2. Collection method: clinical testing. Allele origin: germline. Affected: yes. Observed: 1 variant allele.
Comment: OR51J1: BP4, BP7

NM_001005567.3(OR51B5):c.-359-55947T>A

Genes: OR51B5 (olfactory receptor family 51 subfamily B member 5; minus strand), OR51J1 (olfactory receptor family 51 subfamily J member 1; plus strand). Cytogenetic location: 11p15.4.
Variant type: single nucleotide variant.
Coding change: c.-359-55947T>A on transcript NM_001005567.3; 55947 bases into the intron before 359 bases upstream of the start codon, T replaced by A.
Molecular consequence: intron variant.
Genome position (GRCh38, 1-based): chr11:5,402,857, A>T on the plus strand (T>A on the coding strand, the complement: OR51B5 is on the minus strand). VCF-style: chr11-5402857-A-T. GRCh37 (hg19) VCF-style: chr11-5424087-A-T.
Identifiers: ClinVar variation 2641539 (VCV002641539.22), dbSNP rs201058453, ClinGen allele CA5841771.